The following is an entry in ClinVar:

NM_000051.4(ATM):c.332-12A>C

Gene: ATM (ATM serine/threonine kinase; plus strand). Cytogenetic location: 11q22.3.
Variant type: single nucleotide variant.
Coding change: c.332-12A>C on transcript NM_000051.4 (MANE Select); 12 bases into the intron before coding-DNA position 332, A replaced by C.
Molecular consequence: intron variant.
Genome position (GRCh38, 1-based): chr11:108,235,658, A>C. VCF-style: chr11-108235658-A-C. GRCh37 (hg19) VCF-style: chr11-108106385-A-C.
Other names: c.332-12A>C (NM_001351834.2).
Identifiers: ClinVar variation 3254420 (VCV003254420.1), dbSNP rs754816474.

ClinVar aggregate classification (germline): Likely benign (1 of 4 stars; one submission).

Conditions:
Familial cancer of breast. Also called: BREAST CANCER, FAMILIAL; Hereditary breast cancer; hereditary breast carcinoma. Identifiers: Orphanet 227535, MedGen C0346153, MONDO:0016419, OMIM 114480. Disease mechanism: loss of function.

Submission:

Myriad Genetics, Inc.
Classification: Likely benign for Familial cancer of breast. Last evaluated: 2024-04-18. Review status: criteria provided, single submitter. Criteria: Myriad Autosomal Dominant, Autosomal Recessive and X-Linked Classification Criteria (2023). Collection method: clinical testing. Allele origin: unknown.
Comment: This variant is considered likely benign. This variant is intronic and is not expected to impact mRNA splicing.